The following is an entry in ClinVar:

NM_000334.4(SCN4A):c.999C>T (p.Asn333=)

Gene: SCN4A (sodium voltage-gated channel alpha subunit 4; minus strand). Cytogenetic location: 17q23.3.
Variant type: single nucleotide variant.
Coding change: c.999C>T on transcript NM_000334.4 (MANE Select); coding-DNA position 999, C replaced by T.
Protein change: p.Asn333=; no amino-acid change (asparagine 333 retained).
Molecular consequence: synonymous variant.
Genome position (GRCh38, 1-based): chr17:63,968,060, G>A on the plus strand (C>T on the coding strand, the complement: SCN4A is on the minus strand). VCF-style: chr17-63968060-G-A. GRCh37 (hg19) VCF-style: chr17-62045420-G-A.
Identifiers: ClinVar variation 448288 (VCV000448288.50), dbSNP rs149726115, ClinGen allele CA8709980.

ClinVar aggregate classification (germline): Conflicting classifications of pathogenicity. Review status: criteria provided, conflicting classifications (1 of 4 stars). 10 submissions from 6 submitters: Uncertain significance (1); Benign (5); Likely benign (4). Last evaluated 2026-07-01.

Conditions:
Paramyotonia congenita of Von Eulenburg. Also called: Paramyotonia Congenita; Eulenburg disease; Myotonia congenita intermittens; Von Eulenburg paramyotonia congenita; PARALYSIS PERIODICA PARAMYOTONICA. Identifiers: Orphanet 684, MedGen C0221055, MONDO:0008195, OMIM 168300. Disease mechanism: loss of function.
Potassium-aggravated myotonia. Also called: MYOTONIA CONGENITA, ACETAZOLAMIDE-RESPONSIVE; MYOTONIA CONGENITA, ATYPICAL; SODIUM CHANNEL MUSCLE DISEASE; Myotonia congenita, atypical, acetazolamide-responsive. Identifiers: Orphanet 612, Orphanet 99734, Orphanet 99735, Orphanet 99736, MedGen C2931826, MONDO:0018959, OMIM 608390.
Hypokalemic periodic paralysis, type 2 (HOKPP2). Identifiers: Orphanet 681, MedGen C2750061, MONDO:0013234, OMIM 613345.
Hyperkalemic periodic paralysis. Also called: Familial hyperkalemic periodic paralysis; Gamstorp disease. Identifiers: Orphanet 682, MedGen C0238357, MONDO:0008224, OMIM 170500, HP:0007215.
Congenital myasthenic syndrome 16. Identifiers: Orphanet 590, MedGen C3280112, MONDO:0013620, OMIM 614198.

Allele frequency attached by ClinVar (database versions not stated): ESP Exome Variant Server 0.00031; TOPMed 0.00045; gnomAD 0.00053 and 0.00056; gnomAD exomes 0.00054 and 0.00087; ExAC 0.00057.
gnomAD v4.1: 1,325 of 1,613,786 alleles (0.082%); highest among the groups gnomAD compares: Non-Finnish European, 0.1%; 3 homozygotes.

Submissions (10):

CeGaT Center for Human Genetics Tuebingen
Classification: Likely benign. Last evaluated: 2026-07-01. Review status: criteria provided, single submitter. Criteria: CeGaT Center For Human Genetics Tuebingen Variant Classification Criteria Version 2. Collection method: clinical testing. Allele origin: germline. Affected: yes. Observed: 5 variant alleles.
Comment: SCN4A: BP4, BP7

Labcorp Genetics (formerly Invitae), Labcorp
Classification: Likely benign for Hyperkalemic periodic paralysis. Last evaluated: 2026-01-31. Review status: criteria provided, single submitter. Criteria: Invitae Variant Classification Sherloc (09022015). Collection method: clinical testing. Allele origin: germline.

Blueprint Genetics
Classification: Likely benign. Last evaluated: 2024-11-05. Review status: criteria provided, single submitter. Criteria: ACMG Guidelines, 2015. Collection method: clinical testing. Allele origin: germline.

GeneDx
Classification: Likely benign. Last evaluated: 2021-10-15. Review status: criteria provided, single submitter. Criteria: GeneDx Variant Classification Process June 2021. Collection method: clinical testing. Allele origin: germline. Affected: yes.

Illumina Laboratory Services, Illumina
Classification: Uncertain significance for Congenital myasthenic syndrome 16. Last evaluated: 2018-01-13. Review status: criteria provided, single submitter. Criteria: ICSL Variant Classification Criteria 13 December 2019. Collection method: clinical testing. Allele origin: germline.

Illumina Laboratory Services, Illumina
Classification: Benign for Hyperkalemic periodic paralysis. Last evaluated: 2018-01-13. Review status: criteria provided, single submitter. Criteria: ICSL Variant Classification Criteria 13 December 2019. Collection method: clinical testing. Allele origin: germline.
Comment: This variant was observed in the ICSL laboratory as part of a predisposition screen in an ostensibly healthy population. It had not been previously curated by ICSL or reported in the Human Gene Mutation Database (HGMD: prior to June 1st, 2018), and was therefore a candidate for classification through an automated scoring system. Utilizing variant allele frequency, disease prevalence and penetrance estimates, and inheritance mode, an automated score was calculated to assess if this variant is too frequent to cause the disease. Based on the score and internal cut-off values, a variant classified as benign is not then subjected to further curation. The score for this variant resulted in a classification of benign for this disease.

Illumina Laboratory Services, Illumina
Classification: Benign for Hypokalemic periodic paralysis, type 2. Last evaluated: 2018-01-13. Review status: criteria provided, single submitter. Criteria: ICSL Variant Classification Criteria 13 December 2019. Collection method: clinical testing. Allele origin: germline.
Comment: the same text as in the submission from Illumina Laboratory Services, Illumina above.

Illumina Laboratory Services, Illumina
Classification: Benign for Potassium-aggravated myotonia. Last evaluated: 2018-01-13. Review status: criteria provided, single submitter. Criteria: ICSL Variant Classification Criteria 13 December 2019. Collection method: clinical testing. Allele origin: germline.
Comment: the same text as in the submission from Illumina Laboratory Services, Illumina above.

Illumina Laboratory Services, Illumina
Classification: Benign for Paramyotonia congenita of Von Eulenburg. Last evaluated: 2018-01-13. Review status: criteria provided, single submitter. Criteria: ICSL Variant Classification Criteria 13 December 2019. Collection method: clinical testing. Allele origin: germline.
Comment: the same text as in the submission from Illumina Laboratory Services, Illumina above.

Athena Diagnostics
Classification: Benign. Last evaluated: 2017-04-27. Review status: criteria provided, single submitter. Criteria: Athena Diagnostics Criteria. Collection method: clinical testing. Allele origin: germline.